The following is an entry in ClinVar:

ClinVar aggregate classification (germline): Likely benign (1 of 4 stars; one submission).

gnomAD v4.1: 75 of 1,613,808 alleles (0.0046%); highest among the groups gnomAD compares: Admixed American, 0.02%; no homozygotes.

Submission:

CeGaT Center for Human Genetics Tuebingen
Classification: Likely benign. Last evaluated: 2025-05-01. Review status: criteria provided, single submitter. Criteria: CeGaT Center For Human Genetics Tuebingen Variant Classification Criteria Version 2. Collection method: clinical testing. Allele origin: germline. Affected: yes. Observed: 1 variant allele.
Comment: TRPA1: BP4

NM_007332.3(TRPA1):c.1027C>T (p.Arg343Cys)

Gene: TRPA1 (transient receptor potential cation channel subfamily A member 1; minus strand). Cytogenetic location: 8q21.11.
Variant type: single nucleotide variant.
Coding change: c.1027C>T on transcript NM_007332.3 (MANE Select); coding-DNA position 1027, C replaced by T.
Protein change: p.Arg343Cys; replaces arginine 343 with cysteine.
Molecular consequence: missense variant.
Genome position (GRCh38, 1-based): chr8:72,057,783, G>A on the plus strand (C>T on the coding strand, the complement: TRPA1 is on the minus strand). VCF-style: chr8-72057783-G-A. GRCh37 (hg19) VCF-style: chr8-72970018-G-A.
Other names: short protein forms R343C.
Identifiers: ClinVar variation 3905220 (VCV003905220.10).